The following is an entry in ClinVar:

ClinVar aggregate classification (germline): Uncertain significance (1 of 4 stars; one submission).

gnomAD v4.1: 1 of 1,614,214 alleles (0.000062%); highest among the groups gnomAD compares: East Asian, 0.0022%; no homozygotes.

Submission:

CeGaT Center for Human Genetics Tuebingen
Classification: Uncertain significance. Last evaluated: 2024-10-01. Review status: criteria provided, single submitter. Criteria: CeGaT Center For Human Genetics Tuebingen Variant Classification Criteria Version 2. Collection method: clinical testing. Allele origin: germline. Affected: yes. Observed: 1 variant allele.
Comment: RHOG: PM2, BP4

NM_001665.4(RHOG):c.279G>A (p.Val93=)

Gene: RHOG (ras homolog family member G; minus strand). Cytogenetic location: 11p15.4.
Variant type: single nucleotide variant.
Coding change: c.279G>A on transcript NM_001665.4 (MANE Select); coding-DNA position 279, G replaced by A.
Protein change: p.Val93=; no amino-acid change (valine 93 retained).
Molecular consequence: synonymous variant.
Genome position (GRCh38, 1-based): chr11:3,827,860, C>T on the plus strand (G>A on the coding strand, the complement: RHOG is on the minus strand). VCF-style: chr11-3827860-C-T. GRCh37 (hg19) VCF-style: chr11-3849090-C-T.
Identifiers: ClinVar variation 3389814 (VCV003389814.14).